The following is an entry in ClinVar:

ClinVar aggregate classification (germline): Uncertain significance (1 of 4 stars; one submission).

Conditions:
Long QT syndrome (LQTS). Identifiers: MedGen C0023976, MeSH D008133, MONDO:0002442. Disease mechanism: loss of function. Inheritance: Various modes of inheritance.

Submission:

Labcorp Genetics (formerly Invitae), Labcorp
Classification: Uncertain significance for Long QT syndrome. Last evaluated: 2024-11-19. Review status: criteria provided, single submitter. Criteria: Invitae Variant Classification Sherloc (09022015). Collection method: clinical testing. Allele origin: germline.
Comment: This sequence change replaces valine, which is neutral and non-polar, with leucine, which is neutral and non-polar, at codon 3300 of the AKAP9 protein (p.Val3300Leu). This variant is not present in population databases (gnomAD no frequency). This variant has not been reported in the literature in individuals affected with AKAP9-related conditions. An algorithm developed to predict the effect of missense changes on protein structure and function (PolyPhen-2) suggests that this variant is likely to be disruptive. In summary, the available evidence is currently insufficient to determine the role of this variant in disease. Therefore, it has been classified as a Variant of Uncertain Significance.

NM_005751.5(AKAP9):c.9898G>C (p.Val3300Leu)

Gene: AKAP9 (A-kinase anchoring protein 9; plus strand). Cytogenetic location: 7q21.2.
Variant type: single nucleotide variant.
Coding change: c.9898G>C on transcript NM_005751.5 (MANE Select); coding-DNA position 9898, G replaced by C.
Protein change: p.Val3300Leu; replaces valine 3300 with leucine.
Molecular consequence: missense variant.
Genome position (GRCh38, 1-based): chr7:92,096,857, G>C. VCF-style: chr7-92096857-G-C. GRCh37 (hg19) VCF-style: chr7-91726171-G-C.
Other names: c.4543G>C, p.Val1515Leu (NM_001379277.1); c.9874G>C, p.Val3292Leu (NM_147185.3); short protein forms V1515L, V3292L, V3300L.
Identifiers: ClinVar variation 3725640 (VCV003725640.2).